The following is an entry in ClinVar:

NM_144687.4(NLRP12):c.2694C>A (p.Asp898Glu)

Gene: NLRP12 (NLR family pyrin domain containing 12; minus strand). Cytogenetic location: 19q13.42.
Variant type: single nucleotide variant.
Coding change: c.2694C>A on transcript NM_144687.4 (MANE Select); coding-DNA position 2694, C replaced by A.
Protein change: p.Asp898Glu; replaces aspartic acid 898 with glutamic acid.
Molecular consequence: missense variant.
Genome position (GRCh38, 1-based): chr19:53,801,289, G>T on the plus strand (C>A on the coding strand, the complement: NLRP12 is on the minus strand). VCF-style: chr19-53801289-G-T. GRCh37 (hg19) VCF-style: chr19-54304543-G-T.
Other names: c.2697C>A, p.Asp899Glu (NM_001277126.2); c.2694C>A, p.Asp898Glu (NM_001277129.1); short protein forms D898E, D899E.
Identifiers: ClinVar variation 4775357 (VCV004775357.1).

ClinVar aggregate classification (germline): Uncertain significance (1 of 4 stars; one submission).

Conditions:
Familial cold autoinflammatory syndrome 2 (FCAS2). Identifiers: Orphanet 247868, MedGen C2673198, MONDO:0012724, OMIM 611762.

gnomAD v4.1: 1 of 1,613,772 alleles (0.000062%); highest among the groups gnomAD compares: Non-Finnish European, 0.000085%; no homozygotes.

Submission:

Labcorp Genetics (formerly Invitae), Labcorp
Classification: Uncertain significance for Familial cold autoinflammatory syndrome 2. Last evaluated: 2025-05-07. Review status: criteria provided, single submitter. Criteria: Invitae Variant Classification Sherloc (09022015). Collection method: clinical testing. Allele origin: germline.
Comment: This sequence change replaces aspartic acid, which is acidic and polar, with glutamic acid, which is acidic and polar, at codon 898 of the NLRP12 protein (p.Asp898Glu). This variant is not present in population databases (gnomAD no frequency). This variant has not been reported in the literature in individuals affected with NLRP12-related conditions. An algorithm developed to predict the effect of missense changes on protein structure and function (PolyPhen-2) suggests that this variant is likely to be disruptive. In summary, the available evidence is currently insufficient to determine the role of this variant in disease. Therefore, it has been classified as a Variant of Uncertain Significance.